The following is an entry in ClinVar:

NM_177438.3(DICER1):c.1967G>C (p.Arg656Pro)

Gene: DICER1 (dicer 1, ribonuclease III; minus strand). Cytogenetic location: 14q32.13.
Variant type: single nucleotide variant.
Coding change: c.1967G>C on transcript NM_177438.3 (MANE Select); coding-DNA position 1967, G replaced by C.
Protein change: p.Arg656Pro; replaces arginine 656 with proline.
Molecular consequence: missense variant.
Genome position (GRCh38, 1-based): chr14:95,113,165, C>G on the plus strand (G>C on the coding strand, the complement: DICER1 is on the minus strand). VCF-style: chr14-95113165-C-G. GRCh37 (hg19) VCF-style: chr14-95579502-C-G.
Other names: c.1967G>C, p.Arg656Pro (NM_001195573.1, NM_001271282.3, NM_001291628.2 and 1 more transcripts); short protein forms R656P.
Identifiers: ClinVar variation 1469903 (VCV001469903.7), dbSNP rs766707302, ClinGen allele CA390883348.
Genomic context (GRCh38, chr14:95,113,165, plus strand): 5'-CGAAGAGGTGAGTTAATTGGCAGATAAAGAGTTGAATAAAATGTACCATCAGGCAACTCT[C>G]GGGTTCTGCATTTAGGAGCTAGATGAGTAAACGGATCACTTGGTAATCTAGCACAGTATC-3'
Protein context (NP_803187.1, residues 646-666): FTHLAPKCRT[Arg656Pro]ELPDGTFYST

ClinVar aggregate classification (germline): Uncertain significance (1 of 4 stars; one submission).

Conditions:
DICER1-related tumor predisposition. Also called: DICER1-related pleuropulmonary blastoma cancer predisposition syndrome; DICER1 syndrome. Identifiers: Orphanet 284343, MedGen C3839822, MONDO:0100216.

Submission:

Labcorp Genetics (formerly Invitae), Labcorp
Classification: Uncertain significance for DICER1-related tumor predisposition. Last evaluated: 2025-11-10. Review status: criteria provided, single submitter. Criteria: Invitae Variant Classification Sherloc (09022015). Collection method: clinical testing. Allele origin: germline.
Comment: This sequence change replaces arginine, which is basic and polar, with proline, which is neutral and non-polar, at codon 656 of the DICER1 protein (p.Arg656Pro). This variant is not present in population databases (gnomAD no frequency). This variant has not been reported in the literature in individuals affected with DICER1-related conditions. ClinVar contains an entry for this variant (Variation ID: 1469903). Invitae Evidence Modeling of protein sequence and biophysical properties (such as structural, functional, and spatial information, amino acid conservation, physicochemical variation, residue mobility, and thermodynamic stability) indicates that this missense variant is not expected to disrupt DICER1 protein function with a negative predictive value of 95%. In summary, the available evidence is currently insufficient to determine the role of this variant in disease. Therefore, it has been classified as a Variant of Uncertain Significance.